The following is an entry in ClinVar:

NM_004970.3(IGFALS):c.776C>T (p.Pro259Leu)

Gene: IGFALS (insulin like growth factor binding protein acid labile subunit; minus strand). Cytogenetic location: 16p13.3.
Variant type: single nucleotide variant.
Coding change: c.776C>T on transcript NM_004970.3 (MANE Select); coding-DNA position 776, C replaced by T.
Protein change: p.Pro259Leu; replaces proline 259 with leucine.
Molecular consequence: missense variant. On other transcripts: non-coding transcript variant (1).
Genome position (GRCh38, 1-based): chr16:1,791,642, G>A on the plus strand (C>T on the coding strand, the complement: IGFALS is on the minus strand). VCF-style: chr16-1791642-G-A. GRCh37 (hg19) VCF-style: chr16-1841643-G-A.
Other names: c.890C>T, p.Pro297Leu (NM_001146006.2); short protein forms P259L, P297L.
Identifiers: ClinVar variation 3528092 (VCV003528092.3).
Genomic context (GRCh38, chr16:1,791,642, plus strand): 5'-GCCACGCGGTTGTGGGACAGGTCCAGCCATCGCAGCGCCTTCAGGCCCAGGAAGGCGCCC[G>A]GGGCCACGGCAGCGATGAGGTTGCGGTCCAGGTAGAGTTTCTGGAGCCGGGGCAGCTGCA-3'
Protein context (NP_004961.1, residues 249-269): LDRNLIAAVA[Pro259Leu]GAFLGLKALR

ClinVar aggregate classification (germline): Uncertain significance. Review status: criteria provided, multiple submitters, no conflicts (2 of 4 stars). 2 submissions from 2 submitters: Uncertain significance (2). Last evaluated 2025-02-28.

Conditions:
Inborn genetic diseases. Identifiers: MedGen C0950123, MeSH D030342.

gnomAD v4.1: 43 of 1,579,084 alleles (0.0027%); highest among the groups gnomAD compares: Admixed American, 0.0054%; no homozygotes.

Submissions (2):

GeneDx
Classification: Uncertain significance. Last evaluated: 2025-02-28. Review status: criteria provided, single submitter. Criteria: GeneDx Variant Classification Process June 2021. Collection method: clinical testing. Allele origin: germline.
Comment: In silico analysis supports that this missense variant has a deleterious effect on protein structure/function; Has not been previously published as pathogenic or benign to our knowledge

Ambry Genetics
Classification: Uncertain significance for Inborn genetic diseases. Last evaluated: 2024-08-14. Review status: criteria provided, single submitter. Criteria: Ambry Variant Classification Scheme 2023. Collection method: clinical testing. Allele origin: germline.